The following is an entry in ClinVar:

ClinVar aggregate classification (germline): Uncertain significance. Review status: criteria provided, multiple submitters, no conflicts (2 of 4 stars). 5 submissions from 4 submitters: Uncertain significance (5). Last evaluated 2026-08-31.

Conditions:
SETX-related disorder. Also called: SETX-related disorders; SETX-related condition. Identifiers: MedGen CN239403.
Spinocerebellar ataxia, autosomal recessive, with axonal neuropathy 2 (SCAN2). Also called: ATAXIA-OCULOMOTOR APRAXIA 2; Ataxia with Oculomotor Apraxia Type 2; Ataxia-ocular apraxia-2; Ataxia with Oculomotor Apraxia. Identifiers: Orphanet 64753, MedGen C1853761, MONDO:0018996, OMIM 606002.
Amyotrophic lateral sclerosis type 4 (ALS4). Also called: AMYOTROPHIC LATERAL SCLEROSIS 4, JUVENILE; NEURONOPATHY, DISTAL HEREDITARY MOTOR, WITH PYRAMIDAL FEATURES. Identifiers: Orphanet 357043, MedGen C1865409, MONDO:0011223, OMIM 602433.
Inborn genetic diseases. Identifiers: MedGen C0950123, MeSH D030342.

Allele frequency attached by ClinVar (database versions not stated): gnomAD 0.00005 and 0.00006; TOPMed 0.00010.
gnomAD v4.1: 10 of 1,612,598 alleles (0.00062%); highest among the groups gnomAD compares: Admixed American, 0.015%; no homozygotes.

Submissions (5):

PreventionGenetics, part of Exact Sciences
Classification: Uncertain significance for SETX-related condition. Last evaluated: 2026-08-31. Review status: criteria provided, single submitter. Criteria: ACMG Guidelines, 2015. Collection method: clinical testing. Allele origin: germline.
Comment: The SETX c.5853C>G variant is predicted to result in the amino acid substitution p.His1951Gln. To our knowledge, this variant has not been reported in the literature or in a large population database (gnomAD), indicating this variant is rare. At this time, the clinical significance of this variant is uncertain due to the absence of conclusive functional and genetic evidence.

Ambry Genetics
Classification: Uncertain significance for Inborn genetic diseases. Last evaluated: 2024-04-12. Review status: criteria provided, single submitter. Criteria: Ambry Variant Classification Scheme 2023. Collection method: clinical testing. Allele origin: germline.

Genome-Nilou Lab
Classification: Uncertain significance for Spinocerebellar ataxia, autosomal recessive, with axonal neuropathy 2. Last evaluated: 2023-02-08. Review status: criteria provided, single submitter. Criteria: ACMG Guidelines, 2015. Collection method: clinical testing. Allele origin: germline.

Genome-Nilou Lab
Classification: Uncertain significance for Amyotrophic lateral sclerosis type 4. Last evaluated: 2023-02-08. Review status: criteria provided, single submitter. Criteria: ACMG Guidelines, 2015. Collection method: clinical testing. Allele origin: germline.

Labcorp Genetics (formerly Invitae), Labcorp
Classification: Uncertain significance for Amyotrophic lateral sclerosis type 4; Spinocerebellar ataxia, autosomal recessive, with axonal neuropathy 2. Last evaluated: 2022-05-01. Review status: criteria provided, single submitter. Criteria: Invitae Variant Classification Sherloc (09022015). Collection method: clinical testing. Allele origin: germline.
Comment: In summary, the available evidence is currently insufficient to determine the role of this variant in disease. Therefore, it has been classified as a Variant of Uncertain Significance. Algorithms developed to predict the effect of sequence changes on RNA splicing suggest that this variant may create or strengthen a splice site. Advanced modeling of protein sequence and biophysical properties (such as structural, functional, and spatial information, amino acid conservation, physicochemical variation, residue mobility, and thermodynamic stability) performed at Invitae indicates that this missense variant is not expected to disrupt SETX protein function. This variant has not been reported in the literature in individuals affected with SETX-related conditions. This variant is not present in population databases (gnomAD no frequency). This sequence change replaces histidine, which is basic and polar, with glutamine, which is neutral and polar, at codon 1951 of the SETX protein (p.His1951Gln).

NM_015046.7(SETX):c.5853C>G (p.His1951Gln)

Gene: SETX (senataxin; minus strand). Cytogenetic location: 9q34.13.
Variant type: single nucleotide variant.
Coding change: c.5853C>G on transcript NM_015046.7 (MANE Select); coding-DNA position 5853, C replaced by G.
Protein change: p.His1951Gln; replaces histidine 1951 with glutamine.
Molecular consequence: missense variant.
Genome position (GRCh38, 1-based): chr9:132,296,983, G>C on the plus strand (C>G on the coding strand, the complement: SETX is on the minus strand). VCF-style: chr9-132296983-G-C. GRCh37 (hg19) VCF-style: chr9-135172370-G-C.
Other names: c.5853C>G, p.His1951Gln (NM_001351527.2, NM_001351528.2); short protein forms H1951Q.
Identifiers: ClinVar variation 1412037 (VCV001412037.10), dbSNP rs928020122, ClinGen allele CA200818944.